The following is an entry in ClinVar:

ClinVar aggregate classification (germline): Uncertain significance (1 of 4 stars; one submission).

Conditions:
Kabuki syndrome. Also called: NIIKAWA-KUROKI SYNDROME; Kabuki make-up syndrome. Identifiers: Orphanet 2322, MedGen C0796004, MONDO:0016512.

gnomAD v4.1: 1 of 1,613,950 alleles (0.000062%); highest among the groups gnomAD compares: South Asian, 0.0011%; no homozygotes.

Submission:

Labcorp Genetics (formerly Invitae), Labcorp
Classification: Uncertain significance for Kabuki syndrome. Last evaluated: 2024-12-07. Review status: criteria provided, single submitter. Criteria: Invitae Variant Classification Sherloc (09022015). Collection method: clinical testing. Allele origin: germline.
Comment: This sequence change replaces proline, which is neutral and non-polar, with serine, which is neutral and polar, at codon 1672 of the KMT2D protein (p.Pro1672Ser). This variant is not present in population databases (gnomAD no frequency). This variant has not been reported in the literature in individuals affected with KMT2D-related conditions. Invitae Evidence Modeling of protein sequence and biophysical properties (such as structural, functional, and spatial information, amino acid conservation, physicochemical variation, residue mobility, and thermodynamic stability) indicates that this missense variant is not expected to disrupt KMT2D protein function with a negative predictive value of 95%. In summary, the available evidence is currently insufficient to determine the role of this variant in disease. Therefore, it has been classified as a Variant of Uncertain Significance.

NM_003482.4(KMT2D):c.5014C>T (p.Pro1672Ser)

Gene: KMT2D (lysine methyltransferase 2D; minus strand). Cytogenetic location: 12q13.12.
Variant type: single nucleotide variant.
Coding change: c.5014C>T on transcript NM_003482.4 (MANE Select); coding-DNA position 5014, C replaced by T.
Protein change: p.Pro1672Ser; replaces proline 1672 with serine.
Molecular consequence: missense variant.
Genome position (GRCh38, 1-based): chr12:49,044,472, G>A on the plus strand (C>T on the coding strand, the complement: KMT2D is on the minus strand). VCF-style: chr12-49044472-G-A. GRCh37 (hg19) VCF-style: chr12-49438255-G-A.
Other names: short protein forms P1672S.
Identifiers: ClinVar variation 3635153 (VCV003635153.2).